The following is an entry in ClinVar:

NM_001081.4(CUBN):c.10462C>T (p.Arg3488Ter)

Gene: CUBN (cubilin; minus strand). Cytogenetic location: 10p13.
Variant type: single nucleotide variant.
Coding change: c.10462C>T on transcript NM_001081.4 (MANE Select); coding-DNA position 10462, C replaced by T.
Protein change: p.Arg3488Ter; replaces arginine 3488 with a stop codon.
Molecular consequence: nonsense.
Genome position (GRCh38, 1-based): chr10:16,831,318, G>A on the plus strand (C>T on the coding strand, the complement: CUBN is on the minus strand). VCF-style: chr10-16831318-G-A. GRCh37 (hg19) VCF-style: chr10-16873317-G-A.
Other names: short protein forms R3488*.
Identifiers: ClinVar variation 1074937 (VCV001074937.8), dbSNP rs201426128, ClinGen allele CA5422375.

ClinVar aggregate classification (germline): Pathogenic/Likely pathogenic. Review status: criteria provided, multiple submitters, no conflicts (2 of 4 stars). 2 submissions from 2 submitters: Pathogenic (1); Likely pathogenic (1). Last evaluated 2025-06-12.

Conditions:
Proteinuria, chronic benign. Identifiers: MedGen C5394384, MONDO:0030042, OMIM 618884.
Imerslund-Grasbeck syndrome type 1 (IGS1). Also called: Megaloblastic anemia 1, Finnish type; Imerslund-Gräsbeck syndrome 1; MEGALOBLASTIC ANEMIA, 1. Identifiers: MedGen C4016819, MONDO:0100156, OMIM 261100.
Imerslund-Grasbeck syndrome. Also called: Imerslund-Gräsbeck syndrome; ENTEROCYTE COBALAMIN MALABSORPTION; ENTEROCYTE INTRINSIC FACTOR RECEPTOR, DEFECT OF; PERNICIOUS ANEMIA, JUVENILE, DUE TO SELECTIVE INTESTINAL MALABSORPTION OF VITAMIN B12, WITH PROTEINURIA; Megaloblastic anemia due to inborn errors of metabolism. Identifiers: Orphanet 35858, MedGen C4551825, MONDO:0009853.

Allele frequency attached by ClinVar (database versions not stated): gnomAD exomes 0.00001 and below 0.00001; 1000 Genomes Project 0.00020; TOPMed 0.00001; gnomAD 0.00002; 1000 Genomes Project 30x 0.00016; ExAC 0.00001.
gnomAD v4.1: 24 of 1,613,422 alleles (0.0015%); highest among the groups gnomAD compares: South Asian, 0.0066%; no homozygotes.

Submissions (2):

Labcorp Genetics (formerly Invitae), Labcorp
Classification: Pathogenic for Imerslund-Grasbeck syndrome. Last evaluated: 2025-06-12. Review status: criteria provided, single submitter. Criteria: Invitae Variant Classification Sherloc (09022015). Collection method: clinical testing. Allele origin: germline.
Comment: This sequence change creates a premature translational stop signal (p.Arg3488*) in the CUBN gene. It is expected to result in an absent or disrupted protein product. Loss-of-function variants in CUBN are known to be pathogenic (PMID: 15024727, 22929189, 25349199, 31613795, 34979989). The frequency data for this variant in the population databases is considered unreliable, as metrics indicate poor data quality at this position in the gnomAD database. This variant has not been reported in the literature in individuals affected with CUBN-related conditions. ClinVar contains an entry for this variant (Variation ID: 1074937). Algorithms developed to predict the effect of sequence changes on RNA splicing suggest that this variant may disrupt the consensus splice site. For these reasons, this variant has been classified as Pathogenic.

Fulgent Genetics
Classification: Likely pathogenic for Imerslund-Grasbeck syndrome type 1; Proteinuria, chronic benign. Last evaluated: 2021-12-15. Review status: criteria provided, single submitter. Criteria: ACMG Guidelines, 2015. Collection method: clinical testing. Allele origin: unknown.

Literature cited by the submitters: PubMed 15024727 (cited by Labcorp Genetics (formerly Invitae), Labcorp); PubMed 22929189 (cited by Labcorp Genetics (formerly Invitae), Labcorp); PubMed 25349199 (cited by Labcorp Genetics (formerly Invitae), Labcorp); PubMed 31613795 (cited by Labcorp Genetics (formerly Invitae), Labcorp); PubMed 34979989 (cited by Labcorp Genetics (formerly Invitae), Labcorp).